The following is an entry in ClinVar:

ClinVar aggregate classification (germline): Likely pathogenic (1 of 4 stars; one submission).

Conditions:
Osteogenesis imperfecta type I (OI1). Also called: Lobstein disease; OI, TYPE I; OSTEOGENESIS IMPERFECTA TARDA; OSTEOGENESIS IMPERFECTA WITH BLUE SCLERAE; Osteogenesis imperfecta type 1; Lobstein's Disease. Identifiers: Orphanet 216796, Orphanet 666, MedGen C0023931, MONDO:0008146, OMIM 166200. Disease mechanism: loss of function.
Ehlers-Danlos syndrome, classic type, 1 (EDSCL1). Also called: EDS I; EHLERS-DANLOS SYNDROME, GRAVIS TYPE; EHLERS-DANLOS SYNDROME, SEVERE CLASSIC TYPE; Ehlers-Danlos syndrome, type 1; Ehlers-Danlos Syndrome, Classic Type, COL5A1-Related. Identifiers: MedGen C0268335, MONDO:0019567, OMIM 130000.

Submission:

Labcorp Genetics (formerly Invitae), Labcorp
Classification: Likely pathogenic for Osteogenesis imperfecta type I; Ehlers-Danlos syndrome, classic type, 1. Last evaluated: 2023-10-03. Review status: criteria provided, single submitter. Criteria: Invitae Variant Classification Sherloc (09022015). Collection method: clinical testing. Allele origin: germline.
Comment: This sequence change replaces glycine, which is neutral and non-polar, with arginine, which is basic and polar, at codon 727 of the COL1A2 protein (p.Gly727Arg). This variant is not present in population databases (gnomAD no frequency). This variant has not been reported in the literature in individuals affected with COL1A2-related conditions. Advanced modeling of protein sequence and biophysical properties (such as structural, functional, and spatial information, amino acid conservation, physicochemical variation, residue mobility, and thermodynamic stability) performed at Invitae indicates that this missense variant is expected to disrupt COL1A2 protein function. This variant disrupts the triple helix domain of COL1A2. Glycine residues within the Gly-Xaa-Yaa repeats of the triple helix domain are required for the structure and stability of fibrillar collagens (PMID: 7695699, 8218237, 19344236). In COL1A2, variants affecting these glycine residues are significantly enriched in individuals with disease (PMID: 9016532, 17078022) compared to the general population (ExAC). In summary, the currently available evidence indicates that the variant is pathogenic, but additional data are needed to prove that conclusively. Therefore, this variant has been classified as Likely Pathogenic.

Literature cited by the submitters: PubMed 7695699; PubMed 8218237; PubMed 19344236; PubMed 9016532; PubMed 17078022.

NM_000089.4(COL1A2):c.2179G>C (p.Gly727Arg)

Gene: COL1A2 (collagen type I alpha 2 chain; plus strand). Cytogenetic location: 7q21.3.
Variant type: single nucleotide variant.
Coding change: c.2179G>C on transcript NM_000089.4 (MANE Select); coding-DNA position 2179, G replaced by C.
Protein change: p.Gly727Arg; replaces glycine 727 with arginine.
Molecular consequence: missense variant.
Genome position (GRCh38, 1-based): chr7:94,420,436, G>C. VCF-style: chr7-94420436-G-C. GRCh37 (hg19) VCF-style: chr7-94049748-G-C.
Other names: short protein forms G727R.
Identifiers: ClinVar variation 2942532 (VCV002942532.3), dbSNP rs2484725490, ClinGen allele CA368223406.
Genomic context (GRCh38, chr7:94,420,436, plus strand): 5'-CCTTCTCCCACCTAGGGTGAACGTGGTGAGGTCGGTCCTGCTGGCCCCAATGGATTTGCT[G>C]GTCCTGCTGTGAGTATCACATAATGAAGATTAATCTGAAAACATCCTAAGTTGGGGAGTA-3'
Protein context (NP_000080.2, residues 717-737): VGPAGPNGFA[Gly727Arg]PAGAAGQPGA